The following is an entry in ClinVar:

NM_025137.4(SPG11):c.7087_7115inv (p.Tyr2363_Leu2372delinsAsnLeuCysCysLeuAsnSerSerLysTer)

Gene: SPG11 (SPG11 vesicle trafficking associated, spatacsin; minus strand). Cytogenetic location: 15q21.1.
Variant type: Inversion.
Coding change: c.7087_7115inv on transcript NM_025137.4 (MANE Select).
Protein change: p.Tyr2363_Leu2372delinsAsnLeuCysCysLeuAsnSerSerLysTer.
Molecular consequence: nonsense.
Genome position: GRCh38: chr15:44,564,583-44,564,611. GRCh37 (hg19): chr15:44,856,781-44,856,809.
Other names: c.6748_6776inv, p.Tyr2250_Leu2259delinsAsnLeuCysCysLeuAsnSerSerLysTer (NM_001160227.2).
Identifiers: ClinVar variation 644631 (VCV000644631.5), ClinGen allele CA915946560.

ClinVar aggregate classification (germline): Pathogenic (1 of 4 stars; one submission).

Conditions:
Hereditary spastic paraplegia 11. Also called: SPASTIC PARAPLEGIA, AUTOSOMAL RECESSIVE, COMPLICATED, WITH THIN CORPUS CALLOSUM; SPASTIC PARAPLEGIA, AUTOSOMAL RECESSIVE, WITH MENTAL IMPAIRMENT AND THIN CORPUS CALLOSUM; Spastic Paraplegia 11; Nakamura Osame syndrome; Autosomal recessive hereditary spastic paraplegia, mental impairment, and thin corpus callosum; Spastic paraplegia, mental retardation and thin corpus callosum. Identifiers: Orphanet 2822, MedGen C1858479, MONDO:0011445, OMIM 604360.

Submission:

Labcorp Genetics (formerly Invitae), Labcorp
Classification: Pathogenic for Hereditary spastic paraplegia 11. Last evaluated: 2023-07-20. Review status: criteria provided, single submitter. Criteria: Invitae Variant Classification Sherloc (09022015). Collection method: clinical testing. Allele origin: germline.
Comment: For these reasons, this variant has been classified as Pathogenic. This variant disrupts a region of the SPG11 protein in which other variant(s) (p.His2388Thrfs*6) have been determined to be pathogenic (Invitae). This suggests that this is a clinically significant region of the protein, and that variants that disrupt it are likely to be disease-causing. ClinVar contains an entry for this variant (Variation ID: 644631). This premature translational stop signal has been observed in individual(s) with clinical features of hereditary spastic paraplegia (PMID: 21035867). Information on the frequency of this variant in the gnomAD database is not available, as this variant may be reported differently in the database. This sequence change creates a premature translational stop signal (p.Tyr2363Asnfs*9) in the SPG11 gene. While this is not anticipated to result in nonsense mediated decay, it is expected to disrupt the last 81 amino acid(s) of the SPG11 protein.

Literature cited by the submitters: PubMed 21035867.